The following is an entry in ClinVar:

NM_001377265.1(MAPT):c.286+4A>G

Gene: MAPT (microtubule associated protein tau). Cytogenetic location: 17q21.31.
Variant type: single nucleotide variant.
Coding change: c.286+4A>G on transcript NM_001377265.1 (MANE Select); 4 bases into the intron after coding-DNA position 286, A replaced by G.
Molecular consequence: intron variant.
Genome position (GRCh38, 1-based): chr17:45,978,444, A>G. VCF-style: chr17-45978444-A-G. GRCh37 (hg19) VCF-style: chr17-44055810-A-G.
Other names: c.199+4A>G (NM_001377268.1, NM_016834.5, NM_016841.5); c.373+4A>G (NM_001123066.4, NM_016835.5, NM_005910.6 and 1 more transcripts); c.286+4A>G (NM_001377266.1, NM_001123067.4, NM_001203251.2 and 1 more transcripts).
Identifiers: ClinVar variation 3673918 (VCV003673918.2).

ClinVar aggregate classification (germline): Uncertain significance (1 of 4 stars; one submission).

Conditions:
Frontotemporal dementia (FTD1). Also called: WILHELMSEN-LYNCH DISEASE; Frontotemporal lobe dementia (FLDEM); FRONTOTEMPORAL DEMENTIA WITH PARKINSONISM; FRONTOTEMPORAL LOBE DEMENTIA; MULTIPLE SYSTEM TAUOPATHY WITH PRESENILE DEMENTIA; Frontotemporal Dementia with Parkinsonism-17 (FTDP-17). Identifiers: Orphanet 282, MedGen C0338451, MONDO:0017276, OMIM 600274, HP:0002145.

gnomAD v4.1: 1 of 1,402,222 alleles (0.000071%); highest among the groups gnomAD compares: Non-Finnish European, 0.000097%; no homozygotes.

Submission:

Labcorp Genetics (formerly Invitae), Labcorp
Classification: Uncertain significance for Frontotemporal dementia. Last evaluated: 2024-05-13. Review status: criteria provided, single submitter. Criteria: Invitae Variant Classification Sherloc (09022015). Collection method: clinical testing. Allele origin: germline.
Comment: This sequence change falls in intron 5 of the MAPT gene. It does not directly change the encoded amino acid sequence of the MAPT protein. It affects a nucleotide within the consensus splice site. This variant is not present in population databases (gnomAD no frequency). This variant has not been reported in the literature in individuals affected with MAPT-related conditions. Variants that disrupt the consensus splice site are a relatively common cause of aberrant splicing (PMID: 17576681, 9536098). Algorithms developed to predict the effect of sequence changes on RNA splicing suggest that this variant is not likely to affect RNA splicing. In summary, the available evidence is currently insufficient to determine the role of this variant in disease. Therefore, it has been classified as a Variant of Uncertain Significance.

Literature cited by the submitters: PubMed 17576681; PubMed 9536098.